The following is an entry in ClinVar:

NM_014159.7(SETD2):c.3911G>C (p.Gly1304Ala)

Gene: SETD2 (SET domain containing 2, histone lysine methyltransferase; minus strand). Cytogenetic location: 3p21.31.
Variant type: single nucleotide variant.
Coding change: c.3911G>C on transcript NM_014159.7 (MANE Select); coding-DNA position 3911, G replaced by C.
Protein change: p.Gly1304Ala; replaces glycine 1304 with alanine.
Molecular consequence: missense variant. On other transcripts: non-coding transcript variant (1).
Genome position (GRCh38, 1-based): chr3:47,120,725, C>G on the plus strand (G>C on the coding strand, the complement: SETD2 is on the minus strand). VCF-style: chr3-47120725-C-G. GRCh37 (hg19) VCF-style: chr3-47162215-C-G.
Other names: c.3779G>C, p.Gly1260Ala (NM_001349370.3); short protein forms G1260A, G1304A.
Identifiers: ClinVar variation 4849147 (VCV004849147.1).

ClinVar aggregate classification (germline): Uncertain significance (1 of 4 stars; one submission).

Submission:

Women's Health and Genetics/Laboratory Corporation of America, LabCorp
Classification: Uncertain significance. Last evaluated: 2026-04-22. Review status: criteria provided, single submitter. Criteria: LabCorp Variant Classification Summary - May 2015. Collection method: clinical testing. Allele origin: germline.
Comment: Variant summary: SETD2 c.3911G>C (p.Gly1304Ala) results in a non-conservative amino acid change in the encoded protein sequence. Algorithms developed to predict the effect of missense changes on protein structure and function are either unavailable or do not agree on the potential impact of this missense change. The variant was absent in 251272 control chromosomes. The available data on variant occurrences in the general population are insufficient to allow any conclusion about variant significance. To our knowledge, no occurrence of c.3911G>C in individuals affected with SETD2-related conditions and no experimental evidence demonstrating its impact on protein function have been reported. No submitters have cited clinical-significance assessments for this variant to ClinVar. Based on the evidence outlined above, the variant was classified as uncertain significance.